The following is an entry in ClinVar:

ClinVar aggregate classification (germline): Pathogenic/Likely pathogenic. Review status: criteria provided, multiple submitters, no conflicts (2 of 4 stars). 2 submissions from 2 submitters: Pathogenic (1); Likely pathogenic (1). Last evaluated 2019-11-20.

Conditions:
Autosomal recessive Alport syndrome (ATS2). Also called: Alport syndrome type 2; COL4A3-Related Nephropathy; COL4A4 Alport Syndrome and Thin Basement Membrane Nephropathy; ALPORT SYNDROME 2, AUTOSOMAL RECESSIVE. Identifiers: Orphanet 63, Orphanet 88919, MedGen C4746745, MONDO:0008762, OMIM 203780.

Submissions (2):

Myriad Genetics, Inc.
Classification: Likely pathogenic for Autosomal recessive Alport syndrome. Last evaluated: 2019-11-20. Review status: criteria provided, single submitter. Criteria: Myriad Women's Health Autosomal Recessive and X-Linked Classification Criteria (2019). Collection method: clinical testing. Allele origin: unknown.
Comment: NM_000092.4(COL4A4):c.1402C>T(Q468*) is expected to be pathogenic in the context of COL4A4-related Alport syndrome. This variant is predicted to lead to an abnormal or absent protein product due to the creation of a premature termination codon in COL4A4, a gene where loss-of-function variants are known to be pathogenic. Please note: this variant was assessed in the context of healthy population screening.

Labcorp Genetics (formerly Invitae), Labcorp
Classification: Pathogenic. Last evaluated: 2019-05-24. Review status: criteria provided, single submitter. Criteria: Invitae Variant Classification Sherloc (09022015). Collection method: clinical testing. Allele origin: germline.
Comment: This variant is not present in population databases (ExAC no frequency). For these reasons, this variant has been classified as Pathogenic. Loss-of-function variants in COL4A4 are known to be pathogenic (PMID: 11961012, 14582039, 19129241, 21196518, 24052634, 24522496, 24854265, 25307543, 26809805, 27281700). This variant has not been reported in the literature in individuals with COL4A4-related conditions. This sequence change creates a premature translational stop signal (p.Gln468*) in the COL4A4 gene. It is expected to result in an absent or disrupted protein product.

Literature cited by the submitters: PubMed 11961012 (cited by Labcorp Genetics (formerly Invitae), Labcorp); PubMed 14582039 (cited by Labcorp Genetics (formerly Invitae), Labcorp); PubMed 19129241 (cited by Labcorp Genetics (formerly Invitae), Labcorp); PubMed 21196518 (cited by Labcorp Genetics (formerly Invitae), Labcorp); PubMed 24052634 (cited by Labcorp Genetics (formerly Invitae), Labcorp); PubMed 24522496 (cited by Labcorp Genetics (formerly Invitae), Labcorp); PubMed 24854265 (cited by Labcorp Genetics (formerly Invitae), Labcorp); PubMed 25307543 (cited by Labcorp Genetics (formerly Invitae), Labcorp); PubMed 26809805 (cited by Labcorp Genetics (formerly Invitae), Labcorp); PubMed 27281700 (cited by Labcorp Genetics (formerly Invitae), Labcorp).

NM_000092.5(COL4A4):c.1402C>T (p.Gln468Ter)

Gene: COL4A4 (collagen type IV alpha 4 chain; minus strand). Cytogenetic location: 2q36.3.
Variant type: single nucleotide variant.
Coding change: c.1402C>T on transcript NM_000092.5 (MANE Select); coding-DNA position 1402, C replaced by T.
Protein change: p.Gln468Ter; replaces glutamine 468 with a stop codon.
Molecular consequence: nonsense.
Genome position (GRCh38, 1-based): chr2:227,089,925, G>A on the plus strand (C>T on the coding strand, the complement: COL4A4 is on the minus strand). VCF-style: chr2-227089925-G-A. GRCh37 (hg19) VCF-style: chr2-227954641-G-A.
Other names: short protein forms Q468*.
Identifiers: ClinVar variation 948311 (VCV000948311.11), dbSNP rs2059821994, ClinGen allele CA350850653.